The following is an entry in ClinVar:

NM_032444.4(SLX4):c.3948_3962dup (p.Pro1317_Pro1321dup)

Gene: SLX4 (SLX4 structure-specific endonuclease subunit; minus strand). Cytogenetic location: 16p13.3.
Variant type: Duplication.
Coding change: c.3948_3962dup on transcript NM_032444.4 (MANE Select); coding-DNA positions 3948 to 3962, 15 bases duplicated (ACCGCCCCAGACACC).
Protein change: p.Pro1317_Pro1321dup.
Molecular consequence: inframe insertion.
Genome position (GRCh38, 1-based): chr16:3,589,676-3,589,690, GGTGTCTGGGGCGGT duplicated on the plus strand (ACCGCCCCAGACACC on the coding strand, the reverse complement: SLX4 is on the minus strand); duplicating any 15 consecutive bases within chr16:3,589,676-3,589,702 gives the same sequence; the c. name uses the placement nearest the transcript's 3' end. VCF-style (leftmost placement, unchanged base first): chr16-3589675-C-CGGTGTCTGGGGCGGT. GRCh37 (hg19) VCF-style: chr16-3639676-C-CGGTGTCTGGGGCGGT.
Other names: c.3948_3962dup (LRG_503t1).
Identifiers: ClinVar variation 580613 (VCV000580613.8), dbSNP rs1302525912, ClinGen allele CA891844480.
Genomic context (GRCh38, chr16:3,589,675, plus strand): 5'-TCTGTGGCCTTGCCTTCTGCCGTCAGAAGTTCCTGGAGAGACGGGAGTGAGGCATGAGGA[C>CGGTGTCTGGGGCGGT]GGTGTCTGGGGCGGTGGTGTCTGGGGCCTGATGACAGAAAACTTCTGTGCGACTTCGTTC-3'

ClinVar aggregate classification (germline): Uncertain significance (1 of 4 stars; one submission).

Conditions:
Fanconi anemia (FA). Also called: Fanconi's anemia. Identifiers: Orphanet 84, MedGen C0015625, MeSH D005199, MONDO:0019391.

Submission:

Labcorp Genetics (formerly Invitae), Labcorp
Classification: Uncertain significance for Fanconi anemia. Last evaluated: 2018-04-19. Review status: criteria provided, single submitter. Criteria: Invitae Variant Classification Sherloc (09022015). Collection method: clinical testing. Allele origin: germline.
Comment: Algorithms developed to predict the effect of sequence changes on RNA splicing suggest that this variant may create or strengthen a splice site, but this prediction has not been confirmed by published transcriptional studies. Experimental studies and prediction algorithms are not available for this variant, and the functional significance of the duplicated amino acids is currently unknown. This variant has not been reported in the literature in individuals with SLX4-related disease. This variant is not present in population databases (ExAC no frequency). This variant, c.3948_3962dup, results in the insertion of 5 amino acids to the SLX4 protein (p.Pro1317_Pro1321dup), but otherwise preserves the integrity of the reading frame. In summary, the available evidence is currently insufficient to determine the role of this variant in disease. Therefore, it has been classified as a Variant of Uncertain Significance.